The following is an entry in ClinVar:

ClinVar aggregate classification (germline): Uncertain significance (1 of 4 stars; one submission).

Conditions:
KATNIP-related disorder. Also called: KATNIP-related condition.

gnomAD v4.1: 5 of 1,614,258 alleles (0.00031%); highest among the groups gnomAD compares: Non-Finnish European, 0.00034%; no homozygotes.

Submission:

PreventionGenetics, part of Exact Sciences
Classification: Uncertain significance for KATNIP-related condition. Last evaluated: 2026-01-02. Review status: criteria provided, single submitter. Criteria: ACMG Guidelines, 2015. Collection method: clinical testing. Allele origin: germline.
Comment: The KATNIP c.2008A>G variant is predicted to result in the amino acid substitution p.Lys670Glu. To our knowledge, this variant has not been reported in the literature or in a large population database (gnomAD), indicating this variant is rare. At this time, the clinical significance of this variant is uncertain due to the absence of conclusive functional and genetic evidence.

NM_015202.5(KATNIP):c.2008A>G (p.Lys670Glu)

Gene: KATNIP (katanin interacting protein; plus strand). Cytogenetic location: 16p12.1.
Variant type: single nucleotide variant.
Coding change: c.2008A>G on transcript NM_015202.5 (MANE Select); coding-DNA position 2008, A replaced by G.
Protein change: p.Lys670Glu; replaces lysine 670 with glutamic acid.
Molecular consequence: missense variant.
Genome position (GRCh38, 1-based): chr16:27,740,305, A>G. VCF-style: chr16-27740305-A-G. GRCh37 (hg19) VCF-style: chr16-27751626-A-G.
Other names: short protein forms K670E.
Identifiers: ClinVar variation 4979688 (VCV004979688.1).
Genomic context (GRCh38, chr16:27,740,305, plus strand): 5'-AGCGGGGACAAGGAGCTTGGTCTCGGTTGCTCACCGCCAGCTGAAACATTAGCGGATGCA[A>G]AGCTTTCTTCACAAGGAAATGTGTCTGGCAAAAGAAAGAATTCTACTAATTGCAGGAAAG-3'
Protein context (NP_056017.4, residues 660-680): SPPAETLADA[Lys670Glu]LSSQGNVSGK